The following is an entry in ClinVar:

ClinVar aggregate classification (germline): Pathogenic. Review status: criteria provided, multiple submitters, no conflicts (2 of 4 stars). 10 submissions from 10 submitters: Pathogenic (10). Last evaluated 2026-02-03.

Conditions:
Cardiovascular phenotype. Identifiers: MedGen CN230736.
Cholesteryl ester storage disease (CESD). Also called: Childhood/Adult-Onset LAL-D (Cholesterol Ester Storage Disease [CESD]). Identifiers: Orphanet 75234, MedGen C0008384, MONDO:0019149, OMIM 278000.
Wolman disease (WOLD). Also called: LYSOSOMAL ACID LIPASE DEFICIENCY, ACUTE INFANTILE; LYSOSOMAL ACID LIPASE DEFICIENCY, COMPLETE; LIPA DEFICIENCY, COMPLETE; LAL DEFICIENCY, COMPLETE; CHOLESTEROL ESTER HYDROLASE DEFICIENCY, COMPLETE; Acid cholesteryl ester hydrolase deficiency, Wolman type. Identifiers: Orphanet 75233, MedGen C0043208, MONDO:0019148, OMIM 620151.
Lysosomal acid lipase deficiency. Also called: Acid cholesteryl ester hydrolase deficiency, type 2. Identifiers: Orphanet 275761, MedGen C5574740, MONDO:0800449, MONDO:0010204.

Allele frequency attached by ClinVar (database versions not stated): gnomAD 0.00007 and 0.00008; gnomAD exomes 0.00002 and 0.00004; ExAC 0.00001; TOPMed 0.00003.

Submissions (10):

Ambry Genetics
Classification: Pathogenic for Cardiovascular phenotype. Last evaluated: 2026-02-03. Review status: criteria provided, single submitter. Criteria: Ambry Variant Classification Scheme 2023. Collection method: clinical testing. Allele origin: germline.
Comment: The c.398delC pathogenic mutation, located in coding exon 3 of the LIPA gene, results from a deletion of one nucleotide at nucleotide position 398, causing a translational frameshift with a predicted alternate stop codon (p.S133*). This variant has been identified in the homozygous state and/or in conjunction with other LIPA variant(s) in individual(s) with features consistent with Lysosomal acid lipase deficiency (Sadhukhan M et al. BMJ Case Rep, 2014 May;2014:; Vega AI et al. Genet Med, 2016 Oct;18:1037-43; Ruiz-Andr&eacute;s C et al. JIMD Rep, 2017 Feb;37:7-12). This variant is considered to be rare based on population cohorts in the Genome Aggregation Database (gnomAD). This alteration is expected to result in loss of function by premature protein truncation or nonsense-mediated mRNA decay. As such, this alteration is interpreted as a disease-causing mutation.

Labcorp Genetics (formerly Invitae), Labcorp
Classification: Pathogenic for Wolman disease. Last evaluated: 2025-12-24. Review status: criteria provided, single submitter. Criteria: Invitae Variant Classification Sherloc (09022015). Collection method: clinical testing. Allele origin: germline.
Comment: This sequence change creates a premature translational stop signal (p.Ser133*) in the LIPA gene. It is expected to result in an absent or disrupted protein product. Loss-of-function variants in LIPA are known to be pathogenic (PMID: 23485521). This variant is present in population databases (rs756016704, gnomAD 0.004%). This premature translational stop signal has been observed in individuals with Wolman disease (PMID: 24832708, 28220406). ClinVar contains an entry for this variant (Variation ID: 289986). For these reasons, this variant has been classified as Pathogenic.

Natera, Inc.
Classification: Pathogenic for Lysosomal acid lipase deficiency. Last evaluated: 2025-10-09. Review status: criteria provided, single submitter. Criteria: Natera Variant Classification Schema (03/2026). Collection method: clinical testing. Allele origin: germline.
Comment: The c.398delC variant in LIPA is a frameshift variant predicted to shift the reading frame and introduce a stop codon. This variant is expected to result in nonsense mediated decay, truncation, or a dysfunctional protein product. This variant is rare in the general population with a frequency below the threshold expected for the associated phenotype(s). This variant has been observed in one or more individuals affected with the associated recessive disease, as either homozygous or compound heterozygous with a second variant (PMID: 28220406). Given the available evidence, this variant is classified as Pathogenic.

Dasa
Classification: Pathogenic. Last evaluated: 2025-02-20. Review status: criteria provided, single submitter. Criteria: DASA Assertion Criteria. Collection method: clinical testing. Allele origin: germline.
Comment: NM_000235.4(LIPA):c.398del (p.Ser133*) introduces a premature termination codon predicted to result in loss of normal protein function. Loss-of-function is an established mechanism of disease for this gene. This variant has been recurrently observed in affected individuals with related phenotype in a genotype context consistent with recessive disease (PMID: 24832708; PMID: 26913919; PMID: 28220406). The variant is present at low frequency in population datasets. Based on the available data, this variant is classified as pathogenic.

Women's Health and Genetics/Laboratory Corporation of America, LabCorp
Classification: Pathogenic for Wolman disease. Last evaluated: 2024-06-13. Review status: criteria provided, single submitter. Criteria: LabCorp Variant Classification Summary - May 2015. Collection method: clinical testing. Allele origin: germline.
Comment: Variant summary: LIPA c.398delC (p.Ser133X) results in a premature termination codon, predicted to cause a truncation of the encoded protein or absence of the protein due to nonsense mediated decay, which are commonly known mechanisms for disease. The variant allele was found at a frequency of 2e-05 in 251418 control chromosomes (gnomAD). c.398delC has been reported in the literature in multiple individuals affected with Lysosomal Acid Lipase Deficiency (Zschenker_2001, Poinsot_2016), including homozygotes. These data indicate that the variant is very likely to be associated with disease. To our knowledge, no experimental evidence demonstrating an impact on protein function has been reported. The following publications have been ascertained in the context of this evaluation (PMID: 33857477, 11441129). ClinVar contains an entry for this variant (Variation ID: 289986). Based on the evidence outlined above, the variant was classified as pathogenic.

Fulgent Genetics
Classification: Pathogenic for Cholesteryl ester storage disease; Wolman disease. Last evaluated: 2024-05-06. Review status: criteria provided, single submitter. Criteria: ACMG Guidelines, 2015. Collection method: clinical testing. Allele origin: germline.

GeneDx
Classification: Pathogenic. Last evaluated: 2024-02-28. Review status: criteria provided, single submitter. Criteria: GeneDx Variant Classification Process June 2021. Collection method: clinical testing. Allele origin: germline. Affected: yes.
Comment: Nonsense variant predicted to result in protein truncation or nonsense mediated decay in a gene for which loss-of-function is a known mechanism of disease; Not observed at significant frequency in large population cohorts (gnomAD); This variant is associated with the following publications: (PMID: 33726816, 26913919, 23485521, 11441129, Gashoot2024[case_report], 33857477, 30684275, 24832708, 28220406)

Myriad Genetics, Inc.
Classification: Pathogenic for Cholesteryl ester storage disease. Last evaluated: 2021-11-08. Review status: criteria provided, single submitter. Criteria: Myriad Women's Health Autosomal Recessive and X-Linked Classification Criteria (2021). Collection method: clinical testing. Allele origin: unknown.
Comment: NM_000235.2(LIPA):c.398delC(S133*) is a nonsense variant classified as pathogenic in the context of lysosomal acid lipase deficiency. S133* has been observed in cases with relevant disease (PMID: 11441129). Functional assessments of this variant are available in the literature (PMID: 11441129). S133* has been observed in population frequency databases (gnomAD: NFE 0.004%). In summary, NM_000235.2(LIPA):c.398delC(S133*) is a nonsense variant in a gene where loss of function is a known mechanism of disease, is predicted to disrupt protein function, and has been observed more frequently in cases with the relevant disease than in healthy populations. Please note: this variant was assessed in the context of healthy population screening.

Centre for Inherited Metabolic Diseases, Karolinska University Hospital
Classification: Pathogenic for Cholesteryl ester storage disease. Last evaluated: 2021-04-07. Review status: criteria provided, single submitter. Criteria: ACMG Guidelines, 2015. Collection method: clinical testing. Allele origin: germline. Inheritance: Autosomal recessive inheritance. Affected: yes. Observed: 1 homozygote.

Eurofins Ntd Llc (ga)
Classification: Pathogenic. Last evaluated: 2018-01-09. Review status: criteria provided, single submitter. Criteria: EGL Classification Definitions 2015. Collection method: clinical testing. Allele origin: germline. Observed: 1 variant allele, 1 heterozygote.

Literature cited by the submitters: PubMed 24832708 (cited by 3 submitters); PubMed 26913919 (cited by 3 submitters); PubMed 28220406 (cited by 4 submitters); PubMed 30684275 (cited by Ambry Genetics); PubMed 23485521 (cited by Labcorp Genetics (formerly Invitae), Labcorp); PubMed 28391883 (cited by Women's Health and Genetics/Laboratory Corporation of America, LabCorp); PubMed 11441129 (cited by 3 submitters).

NM_000235.4(LIPA):c.398del (p.Leu132_Ser133insTer)

Gene: LIPA (lipase A, lysosomal acid type; minus strand). Cytogenetic location: 10q23.31.
Variant type: Deletion.
Coding change: c.398del on transcript NM_000235.4 (MANE Select); coding-DNA position 398, one base deleted (C; older notation c.398delC).
Protein change: p.Leu132_Ser133insTer.
Molecular consequence: nonsense.
Genome position (GRCh38, 1-based): chr10:89,228,230, G deleted on the plus strand (C on the coding strand, the reverse complement: LIPA is on the minus strand). VCF-style (leftmost placement, unchanged base first): chr10-89228229-TG-T. GRCh37 (hg19) VCF-style: chr10-90987986-TG-T.
Other names: c.398del, p.Leu132_Ser133insTer (NM_001127605.3); c.50del, p.Leu16_Ser17insTer (NM_001288979.2); c.398delC (NM_000235.4, NM_000235.2); c.398del (NM_000235.3, NM_000235.2).
Identifiers: ClinVar variation 289986 (VCV000289986.28), dbSNP rs756016704, ClinGen allele CA5593748.
Genomic context (GRCh38, chr10:89,228,229, plus strand): 5'-TACATCCATGCCATTATCAATTCATATATACCTGAAAGCCCAGAATTCATCCTGAGAAAC[TG>T]AGAGTGTCTTATGTTTCCGAGACCAGGTATTTCCTCTGCTGTTGCCCATCCACACGTCAA-3'